The following is an entry in ClinVar:

NM_001165963.4(SCN1A):c.4002+2330_4002+2331insG

Genes: SCN1A (sodium voltage-gated channel alpha subunit 1; minus strand), LOC102724058 (uncharacterized LOC102724058; plus strand). Cytogenetic location: 2q24.3.
Variant type: Insertion.
Coding change: c.4002+2330_4002+2331insG on transcript NM_001165963.4 (MANE Select); bases 2330 to 2331 of the intron after coding-DNA position 4002, G inserted.
Molecular consequence: intron variant.
Genome position: GRCh38 VCF-style: chr2-166007388-G-GC. GRCh37 (hg19) VCF-style: chr2-166863898-G-GC.
Other names: c.3969+2330_3969+2331insG (NM_001353949.2, NM_001353950.2, NM_001353951.2 and 2 more transcripts); c.3918+2330_3918+2331insG (NM_001353958.2, NM_001353957.2, NM_001165964.3); c.4002+2330_4002+2331insG (NM_001202435.3, NM_001353948.2); c.3966+2330_3966+2331insG (NM_001353955.2, NM_001353954.2); c.3915+2330_3915+2331insG (NM_001353960.2); c.1560+2330_1560+2331insG (NM_001353961.2).
Identifiers: ClinVar variation 3605390 (VCV003605390.2).
Genomic context (GRCh38, chr2:166,007,388, plus strand): 5'-TTAGAAATCTGATATGACAGAACATTTGGTGTTACTTTTTGTTCATGATGCTCTCCGTCT[G>GC]TTTCCCTATCCATTAAGACTTGAGTTCTTTTGAAAAAGAAGGTATTTAAGATTTCCTAGG-3'

ClinVar aggregate classification (germline): Uncertain significance (1 of 4 stars; one submission).

Conditions:
Early-infantile DEE. Also called: Early infantile epileptic encephalopathy; Ohtahara syndrome; Early infantile epileptic encephalopathy with suppression bursts. Identifiers: Orphanet 1934, MedGen C0393706, MONDO:0800491.

Submission:

Labcorp Genetics (formerly Invitae), Labcorp
Classification: Uncertain significance for Early-infantile DEE. Last evaluated: 2025-02-03. Review status: criteria provided, single submitter. Criteria: Invitae Variant Classification Sherloc (09022015). Collection method: clinical testing. Allele origin: germline.
Comment: This sequence change falls in intron 20 of the SCN1A gene. It does not directly change the encoded amino acid sequence of the SCN1A protein. However, this sequence change falls within a region encompassing a cryptic exon in the SCN1A gene, in which variants have been shown to alter splicing (PMID: 30526861, 34107977). This variant is not present in population databases (gnomAD no frequency). This variant has not been reported in the literature in individuals affected with SCN1A-related conditions. Algorithms developed to predict the effect of sequence changes on RNA splicing suggest that this variant is not likely to affect RNA splicing. In summary, the available evidence is currently insufficient to determine the role of this variant in disease. Therefore, it has been classified as a Variant of Uncertain Significance.

Literature cited by the submitters: PubMed 30526861; PubMed 34107977.